The following is an entry in ClinVar:

ClinVar aggregate classification (germline): Uncertain significance (1 of 4 stars; one submission).

Conditions:
Baller-Gerold syndrome (BGS). Also called: CRANIOSYNOSTOSIS WITH RADIAL DEFECTS. Identifiers: Orphanet 1225, MedGen C0265308, MONDO:0009039, OMIM 218600.

Allele frequency attached by ClinVar (database versions not stated): gnomAD exomes 0.00001.
gnomAD v4.1: 8 of 1,612,562 alleles (0.0005%); highest among the groups gnomAD compares: Non-Finnish European, 0.00068%; no homozygotes.

Submission:

Labcorp Genetics (formerly Invitae), Labcorp
Classification: Uncertain significance for Baller-Gerold syndrome. Last evaluated: 2021-09-25. Review status: criteria provided, single submitter. Criteria: Invitae Variant Classification Sherloc (09022015). Collection method: clinical testing. Allele origin: germline.
Comment: In summary, the available evidence is currently insufficient to determine the role of this variant in disease. Therefore, it has been classified as a Variant of Uncertain Significance. Experimental studies and prediction algorithms are not available or were not evaluated, and the functional significance of this variant is currently unknown. This variant has not been reported in the literature in individuals affected with RECQL4-related conditions. This variant is not present in population databases (ExAC no frequency). This sequence change replaces alanine with serine at codon 967 of the RECQL4 protein (p.Ala967Ser). The alanine residue is highly conserved and there is a moderate physicochemical difference between alanine and serine.

NM_004260.4(RECQL4):c.2899G>T (p.Ala967Ser)

Gene: RECQL4 (RecQ like helicase 4; minus strand). Cytogenetic location: 8q24.3.
Variant type: single nucleotide variant.
Coding change: c.2899G>T on transcript NM_004260.4 (MANE Select); coding-DNA position 2899, G replaced by T.
Protein change: p.Ala967Ser; replaces alanine 967 with serine.
Molecular consequence: missense variant.
Genome position (GRCh38, 1-based): chr8:144,512,548, C>A on the plus strand (G>T on the coding strand, the complement: RECQL4 is on the minus strand). VCF-style: chr8-144512548-C-A. GRCh37 (hg19) VCF-style: chr8-145737931-C-A.
Other names: short protein forms A967S.
Identifiers: ClinVar variation 1383128 (VCV001383128.6), dbSNP rs2130664179, ClinGen allele CA372673615.